The following is an entry in ClinVar:

ClinVar aggregate classification (germline): Conflicting classifications of pathogenicity. Review status: criteria provided, conflicting classifications (1 of 4 stars). 2 submissions from 2 submitters: Uncertain significance (1); Benign (1). Last evaluated 2025-02-19.

Conditions:
Hereditary cancer-predisposing syndrome. Also called: Neoplastic Syndromes, Hereditary; Tumor predisposition; Hereditary Cancer Syndrome; Hereditary neoplastic syndrome. Identifiers: Orphanet 140162, MedGen C0027672, MeSH D009386, MONDO:0015356.
Breast-ovarian cancer, familial, susceptibility to, 3. Also called: RAD51C-Related Breast/Ovarian Cancer. Identifiers: Orphanet 145, MedGen C3150659, MONDO:0013253, OMIM 613399.

Allele frequency attached by ClinVar (database versions not stated): gnomAD exomes below 0.00001.
gnomAD v4.1: 1 of 1,608,950 alleles (0.000062%); highest among the groups gnomAD compares: Non-Finnish European, 0.000085%; no homozygotes.

Submissions (2):

Myriad Genetics, Inc.
Classification: Benign for Breast-ovarian cancer, familial, susceptibility to, 3. Last evaluated: 2025-02-19. Review status: criteria provided, single submitter. Criteria: Myriad Autosomal Dominant, Autosomal Recessive and X-Linked Classification Criteria (2023). Collection method: clinical testing. Allele origin: unknown.
Comment: This variant is considered benign. This variant occurs in the non-coding 3' untranslated region of the gene, and is not expected to impact protein function.

Color Diagnostics, LLC DBA Color Health
Classification: Uncertain significance for Hereditary cancer-predisposing syndrome. Last evaluated: 2019-09-23. Review status: criteria provided, single submitter. Criteria: ACMG Guidelines, 2015. Collection method: clinical testing. Allele origin: germline.
Comment: This variant is located in the 3' untranslated region of the RAD51C gene. Splice site prediction tools suggest that this variant may not impact RNA splicing. To our knowledge, functional studies have not been performed for this variant. This variant has not been reported in individuals affected with hereditary cancer in the literature. This variant has not been identified in the general population by the Genome Aggregation Database (gnomAD). The available evidence is insufficient to determine the role of this variant in disease conclusively. Therefore, this variant is classified as a Variant of Uncertain Significance.

NM_058216.3(RAD51C):c.*6A>G

Gene: RAD51C (RAD51 paralog C; plus strand). Cytogenetic location: 17q22.
Variant type: single nucleotide variant.
Coding change: c.*6A>G on transcript NM_058216.3 (MANE Select); 6 bases downstream of the stop codon, A replaced by G.
Molecular consequence: 3 prime UTR variant. On other transcripts: non-coding transcript variant (1).
Genome position (GRCh38, 1-based): chr17:58,734,228, A>G. VCF-style: chr17-58734228-A-G. GRCh37 (hg19) VCF-style: chr17-56811589-A-G.
Identifiers: ClinVar variation 927075 (VCV000927075.4), dbSNP rs2049568799, ClinGen allele CA1139665740.